The following is an entry in ClinVar:

ClinVar aggregate classification (germline): Uncertain significance (1 of 4 stars; one submission).

Submission:

Labcorp Genetics (formerly Invitae), Labcorp
Classification: Uncertain significance. Last evaluated: 2024-10-15. Review status: criteria provided, single submitter. Criteria: Invitae Variant Classification Sherloc (09022015). Collection method: clinical testing. Allele origin: germline.
Comment: This sequence change replaces valine, which is neutral and non-polar, with leucine, which is neutral and non-polar, at codon 316 of the TRMT5 protein (p.Val316Leu). This variant is not present in population databases (gnomAD no frequency). This variant has not been reported in the literature in individuals affected with TRMT5-related conditions. ClinVar contains an entry for this variant (Variation ID: 2094961). Invitae Evidence Modeling of protein sequence and biophysical properties (such as structural, functional, and spatial information, amino acid conservation, physicochemical variation, residue mobility, and thermodynamic stability) indicates that this missense variant is not expected to disrupt TRMT5 protein function with a negative predictive value of 80%. In summary, the available evidence is currently insufficient to determine the role of this variant in disease. Therefore, it has been classified as a Variant of Uncertain Significance.

NM_020810.3(TRMT5):c.946G>T (p.Val316Leu)

Gene: TRMT5 (tRNA methyltransferase 5; minus strand). Cytogenetic location: 14q23.1.
Variant type: single nucleotide variant.
Coding change: c.946G>T on transcript NM_020810.3 (MANE Select); coding-DNA position 946, G replaced by T.
Protein change: p.Val316Leu; replaces valine 316 with leucine.
Molecular consequence: missense variant.
Genome position (GRCh38, 1-based): chr14:60,975,973, C>A on the plus strand (G>T on the coding strand, the complement: TRMT5 is on the minus strand). VCF-style: chr14-60975973-C-A. GRCh37 (hg19) VCF-style: chr14-61442691-C-A.
Other names: c.1030G>T, p.Val344Leu (NM_001350253.1); c.1027G>T, p.Val343Leu (NM_001350254.1); short protein forms V316L, V343L, V344L.
Identifiers: ClinVar variation 2094961 (VCV002094961.4), dbSNP rs755338994, ClinGen allele CA389919771.
Genomic context (GRCh38, chr14:60,975,973, plus strand): 5'-GCCATTTATGAGATTCAGGATTGAGATCATTGGCAAATACAGTGCAGTTTTTCTTTGCTA[C>A]TGGAATGGCAAAGGGCCCAACCCCAGCAAAAACATCAAATAGGACATCCCCAGGTTTGAG-3'
Protein context (NP_065861.3, residues 306-326): FAGVGPFAIP[Val316Leu]AKKNCTVFAN